The following is an entry in ClinVar:

NM_003640.5(ELP1):c.1408G>A (p.Gly470Arg)

Gene: ELP1 (elongator acetyltransferase complex subunit 1; minus strand). Cytogenetic location: 9q31.3.
Variant type: single nucleotide variant.
Coding change: c.1408G>A on transcript NM_003640.5 (MANE Select); coding-DNA position 1408, G replaced by A.
Protein change: p.Gly470Arg; replaces glycine 470 with arginine.
Molecular consequence: missense variant.
Genome position (GRCh38, 1-based): chr9:108,908,357, C>T on the plus strand (G>A on the coding strand, the complement: ELP1 is on the minus strand). VCF-style: chr9-108908357-C-T. GRCh37 (hg19) VCF-style: chr9-111670637-C-T.
Other names: c.1066G>A, p.Gly356Arg (NM_001318360.2); c.361G>A, p.Gly121Arg (NM_001330749.2); short protein forms G356R, G121R, G470R.
Identifiers: ClinVar variation 854835 (VCV000854835.13), dbSNP rs765727987, ClinGen allele CA5175027.

ClinVar aggregate classification (germline): Uncertain significance. Review status: criteria provided, multiple submitters, no conflicts (2 of 4 stars). 3 submissions from 3 submitters: Uncertain significance (3). Last evaluated 2021-08-20.

Allele frequency attached by ClinVar (database versions not stated): TOPMed 0.00001; gnomAD 0.00002; gnomAD exomes below 0.00001; ExAC 0.00001.
gnomAD v4.1: 4 of 1,614,062 alleles (0.00025%); highest among the groups gnomAD compares: African/African-American, 0.004%; no homozygotes.

Submissions (3):

Labcorp Genetics (formerly Invitae), Labcorp
Classification: Uncertain significance. Last evaluated: 2021-08-20. Review status: criteria provided, single submitter. Criteria: Invitae Variant Classification Sherloc (09022015). Collection method: clinical testing. Allele origin: germline.
Comment: This sequence change replaces glycine with arginine at codon 470 of the ELP1 protein (p.Gly470Arg). The glycine residue is moderately conserved and there is a moderate physicochemical difference between glycine and arginine. This variant is present in population databases (rs765727987, ExAC 0.006%). This variant has not been reported in the literature in individuals affected with ELP1-related conditions. Algorithms developed to predict the effect of missense changes on protein structure and function are either unavailable or do not agree on the potential impact of this missense change (SIFT: "Tolerated"; PolyPhen-2: "Probably Damaging"; Align-GVGD: "Class C0"). In summary, the available evidence is currently insufficient to determine the role of this variant in disease. Therefore, it has been classified as a Variant of Uncertain Significance.

Ambry Genetics
Classification: Uncertain significance. Last evaluated: 2021-06-23. Review status: criteria provided, single submitter. Criteria: Ambry Variant Classification Scheme 2023. Collection method: clinical testing. Allele origin: germline.
Comment: The p.G470R variant (also known as c.1408G>A), located in coding exon 12 of the IKBKAP gene, results from a G to A substitution at nucleotide position 1408. The glycine at codon 470 is replaced by arginine, an amino acid with dissimilar properties. This amino acid position is conserved. In addition, the in silico prediction for this alteration is inconclusive. Since supporting evidence is limited at this time, the clinical significance of this alteration remains unclear.

Mayo Clinic Laboratories, Mayo Clinic
Classification: Uncertain significance. Last evaluated: 2020-03-24. Review status: criteria provided, single submitter. Criteria: ACMG Guidelines, 2015. Collection method: clinical testing. Allele origin: germline. Observed: 1 variant allele.